The following is an entry in ClinVar:

ClinVar aggregate classification (germline): Uncertain significance (1 of 4 stars; one submission).

Conditions:
Idiopathic generalized epilepsy. Also called: Generalised epilepsy; EIG. Identifiers: MedGen C0270850, MONDO:0005579, OMIM 600669.

Allele frequency attached by ClinVar (database versions not stated): gnomAD 0.00002; gnomAD exomes 0.00003.

Submission:

Labcorp Genetics (formerly Invitae), Labcorp
Classification: Uncertain significance for Idiopathic generalized epilepsy. Last evaluated: 2023-10-08. Review status: criteria provided, single submitter. Criteria: Invitae Variant Classification Sherloc (09022015). Collection method: clinical testing. Allele origin: germline.
Comment: This sequence change replaces proline, which is neutral and non-polar, with leucine, which is neutral and non-polar, at codon 24 of the RBFOX3 protein (p.Pro24Leu). This variant is present in population databases (no rsID available, gnomAD 0.01%). This variant has not been reported in the literature in individuals affected with RBFOX3-related conditions. ClinVar contains an entry for this variant (Variation ID: 836630). Advanced modeling of protein sequence and biophysical properties (such as structural, functional, and spatial information, amino acid conservation, physicochemical variation, residue mobility, and thermodynamic stability) performed at Invitae indicates that this missense variant is not expected to disrupt RBFOX3 protein function. In summary, the available evidence is currently insufficient to determine the role of this variant in disease. Therefore, it has been classified as a Variant of Uncertain Significance.

NM_001350451.2(RBFOX3):c.71C>T (p.Pro24Leu)

Gene: RBFOX3 (RNA binding fox-1 homolog 3; minus strand). Cytogenetic location: 17q25.3.
Variant type: single nucleotide variant.
Coding change: c.71C>T on transcript NM_001350451.2 (MANE Select); coding-DNA position 71, C replaced by T.
Protein change: p.Pro24Leu; replaces proline 24 with leucine.
Molecular consequence: missense variant.
Genome position (GRCh38, 1-based): chr17:79,115,645, G>A on the plus strand (C>T on the coding strand, the complement: RBFOX3 is on the minus strand). VCF-style: chr17-79115645-G-A. GRCh37 (hg19) VCF-style: chr17-77111727-G-A.
Other names: c.71C>T, p.Pro24Leu (NM_001082575.3, NM_001350453.2, NM_001385804.1 and 43 more transcripts); short protein forms P24L.
Identifiers: ClinVar variation 836630 (VCV000836630.9), dbSNP rs1189505871, ClinGen allele CA401318156.
Genomic context (GRCh38, chr17:79,115,645, plus strand): 5'-CCATGCTCTGTGGGGACCGGGGTCTGGCCGGAGTAGTCCTGCGTGGGGTGCGGTGGGGGC[G>A]GGGCGTACTCGGCAGGGATGCCGTTCTGTGGCGGAGGGGGGTACTGGGCGGGGGGGTAGG-3'
Protein context (NP_001337380.1, residues 14-34): PQNGIPAEYA[Pro24Leu]PPPHPTQDYS